The following is an entry in ClinVar:

NM_022458.4(LMBR1):c.*2603A>G

Gene: LMBR1 (limb development membrane protein 1; minus strand). Cytogenetic location: 7q36.3.
Variant type: single nucleotide variant.
Coding change: c.*2603A>G on transcript NM_022458.4 (MANE Select); 2603 bases downstream of the stop codon, A replaced by G.
Molecular consequence: 3 prime UTR variant. On other transcripts: non-coding transcript variant (1).
Genome position (GRCh38, 1-based): chr7:156,681,475, T>C on the plus strand (A>G on the coding strand, the complement: LMBR1 is on the minus strand). VCF-style: chr7-156681475-T-C. GRCh37 (hg19) VCF-style: chr7-156474169-T-C.
Other names: c.*2603A>G (NM_001350953.2, NM_001350954.2, NM_001350955.2 and 8 more transcripts).
Identifiers: ClinVar variation 359379 (VCV000359379.6), dbSNP rs1014236, ClinGen allele CA10628518.

ClinVar aggregate classification (germline): Benign. Review status: criteria provided, multiple submitters, no conflicts (2 of 4 stars). 2 submissions from 2 submitters: Benign (2). Last evaluated 2018-01-13.

Conditions:
Polydactyly of a triphalangeal thumb. Also called: POLYDACTYLY OF TRIPHALANGEAL THUMB; TRIPHALANGEAL THUMB-POLYDACTYLY SYNDROME; Polydactyly, preaxial type II. Identifiers: Orphanet 2439, Orphanet 2950, Orphanet 93336, MedGen C1868114, MONDO:0008270, OMIM 174500.

Allele frequency attached by ClinVar (database versions not stated): gnomAD exomes 0.00688; gnomAD 0.02144 and 0.02324; TOPMed 0.03155; 1000 Genomes Project 0.04653; 1000 Genomes Project 30x 0.04872.
gnomAD v4.1: 3,565 of 155,486 alleles (2.3%); highest among the groups gnomAD compares: East Asian, 9.9%; 96 homozygotes.

Submissions (2):

Illumina Laboratory Services, Illumina
Classification: Benign for Polydactyly of a triphalangeal thumb. Last evaluated: 2018-01-13. Review status: criteria provided, single submitter. Criteria: ICSL Variant Classification Criteria 13 December 2019. Collection method: clinical testing. Allele origin: germline.
Comment: This variant was observed in the ICSL laboratory as part of a predisposition screen in an ostensibly healthy population. It had not been previously curated by ICSL or reported in the Human Gene Mutation Database (HGMD: prior to June 1st, 2018), and was therefore a candidate for classification through an automated scoring system. Utilizing variant allele frequency, disease prevalence and penetrance estimates, and inheritance mode, an automated score was calculated to assess if this variant is too frequent to cause the disease. Based on the score and internal cut-off values, a variant classified as benign is not then subjected to further curation. The score for this variant resulted in a classification of benign for this disease.

Breakthrough Genomics
Classification: Benign. Review status: criteria provided, single submitter. Criteria: ACMG Guidelines, 2015. Collection method: not provided. Allele origin: germline. Inheritance: Autosomal recessive inheritance. Affected: yes.